The following is an entry in ClinVar:

ClinVar aggregate classification (germline): Uncertain significance (1 of 4 stars; one submission).

Allele frequency attached by ClinVar (database versions not stated): gnomAD 0.00001; gnomAD exomes 0.00002.
gnomAD v4.1: 32 of 1,613,520 alleles (0.002%); highest among the groups gnomAD compares: Admixed American, 0.0033%; no homozygotes.

Submission:

Labcorp Genetics (formerly Invitae), Labcorp
Classification: Uncertain significance. Last evaluated: 2024-12-16. Review status: criteria provided, single submitter. Criteria: Invitae Variant Classification Sherloc (09022015). Collection method: clinical testing. Allele origin: germline.
Comment: This sequence change replaces arginine, which is basic and polar, with tryptophan, which is neutral and slightly polar, at codon 1400 of the DSCAML1 protein (p.Arg1400Trp). This variant is present in population databases (no rsID available, gnomAD 0.003%). This variant has not been reported in the literature in individuals affected with DSCAML1-related conditions. ClinVar contains an entry for this variant (Variation ID: 1910372). An algorithm developed to predict the effect of missense changes on protein structure and function outputs the following: PolyPhen-2: "Possibly Damaging". The tryptophan amino acid residue is found in multiple mammalian species, which suggests that this missense change does not adversely affect protein function. In summary, the available evidence is currently insufficient to determine the role of this variant in disease. Therefore, it has been classified as a Variant of Uncertain Significance.

NM_020693.4(DSCAML1):c.4018C>T (p.Arg1340Trp)

Gene: DSCAML1 (DS cell adhesion molecule like 1; minus strand). Cytogenetic location: 11q23.3.
Variant type: single nucleotide variant.
Coding change: c.4018C>T on transcript NM_020693.4 (MANE Select); coding-DNA position 4018, C replaced by T.
Protein change: p.Arg1340Trp; replaces arginine 1340 with tryptophan.
Molecular consequence: missense variant.
Genome position (GRCh38, 1-based): chr11:117,439,392, G>A on the plus strand (C>T on the coding strand, the complement: DSCAML1 is on the minus strand). VCF-style: chr11-117439392-G-A. GRCh37 (hg19) VCF-style: chr11-117310108-G-A.
Other names: short protein forms R1340W.
Identifiers: ClinVar variation 1910372 (VCV001910372.5), dbSNP rs1276403781, ClinGen allele CA382761432.